The following is an entry in ClinVar:

ClinVar aggregate classification (germline): Uncertain significance (1 of 4 stars; one submission).

Allele frequency attached by ClinVar (database versions not stated): gnomAD exomes 0.00001; TOPMed 0.00001; ESP Exome Variant Server 0.00008.
gnomAD v4.1: 9 of 1,613,628 alleles (0.00056%); highest among the groups gnomAD compares: Non-Finnish European, 0.00076%; no homozygotes.

Submission:

GeneDx
Classification: Uncertain significance. Last evaluated: 2023-01-27. Review status: criteria provided, single submitter. Criteria: GeneDx Variant Classification Process June 2021. Collection method: clinical testing. Allele origin: germline. Affected: yes.
Comment: Not observed at significant frequency in large population cohorts (gnomAD); In silico analysis supports that this missense variant does not alter protein structure/function; Has not been previously published as pathogenic or benign to our knowledge

NM_014141.6(CNTNAP2):c.1287C>G (p.Ser429Arg)

Gene: CNTNAP2 (contactin associated protein 2; plus strand). Cytogenetic location: 7q35.
Variant type: single nucleotide variant.
Coding change: c.1287C>G on transcript NM_014141.6 (MANE Select); coding-DNA position 1287, C replaced by G.
Protein change: p.Ser429Arg; replaces serine 429 with arginine.
Molecular consequence: missense variant.
Genome position (GRCh38, 1-based): chr7:147,132,448, C>G. VCF-style: chr7-147132448-C-G. GRCh37 (hg19) VCF-style: chr7-146829540-C-G.
Other names: short protein forms S429R.
Identifiers: ClinVar variation 2574464 (VCV002574464.1), dbSNP rs373565604, ClinGen allele CA168690910.